The following is an entry in ClinVar:

NM_004064.5(CDKN1B):c.82G>T (p.Ala28Ser)

Gene: CDKN1B (cyclin dependent kinase inhibitor 1B; plus strand). Cytogenetic location: 12p13.1.
Variant type: single nucleotide variant.
Coding change: c.82G>T on transcript NM_004064.5 (MANE Select); coding-DNA position 82, G replaced by T.
Protein change: p.Ala28Ser; replaces alanine 28 with serine.
Molecular consequence: missense variant.
Genome position (GRCh38, 1-based): chr12:12,717,921, G>T. VCF-style: chr12-12717921-G-T. GRCh37 (hg19) VCF-style: chr12-12870855-G-T.
Other names: short protein forms A28S.
Identifiers: ClinVar variation 3223690 (VCV003223690.1), dbSNP rs2497403970, ClinGen allele CA383968395.

ClinVar aggregate classification (germline): Uncertain significance (1 of 4 stars; one submission).

Conditions:
Hereditary cancer-predisposing syndrome. Also called: Tumor predisposition; Hereditary neoplastic syndrome; Hereditary Cancer Syndrome; Neoplastic Syndromes, Hereditary. Identifiers: Orphanet 140162, MedGen C0027672, MeSH D009386, MONDO:0015356.

Submission:

Ambry Genetics
Classification: Uncertain significance for Hereditary cancer-predisposing syndrome. Last evaluated: 2023-12-17. Review status: criteria provided, single submitter. Criteria: Ambry Variant Classification Scheme 2023. Collection method: clinical testing. Allele origin: germline.
Comment: The p.A28S variant (also known as c.82G>T), located in coding exon 1 of the CDKN1B gene, results from a G to T substitution at nucleotide position 82. The alanine at codon 28 is replaced by serine, an amino acid with similar properties. This amino acid position is conserved. In addition, this alteration is predicted to be deleterious by in silico analysis. Since supporting evidence is limited at this time, the clinical significance of this alteration remains unclear.